The following is an entry in ClinVar:

NM_000245.4(MET):c.3899G>A (p.Arg1300Lys)

Gene: MET (MET proto-oncogene, receptor tyrosine kinase; plus strand). Cytogenetic location: 7q31.2.
Variant type: single nucleotide variant.
Coding change: c.3899G>A on transcript NM_000245.4 (MANE Select); coding-DNA position 3899, G replaced by A.
Protein change: p.Arg1300Lys; replaces arginine 1300 with lysine.
Molecular consequence: missense variant.
Genome position (GRCh38, 1-based): chr7:116,795,755, G>A. VCF-style: chr7-116795755-G-A. GRCh37 (hg19) VCF-style: chr7-116435809-G-A.
Other names: c.3953G>A, p.Arg1318Lys (NM_001127500.3); c.2609G>A, p.Arg870Lys (NM_001324402.2); short protein forms R1300K, R1318K, R870K.
Identifiers: ClinVar variation 4859999 (VCV004859999.1).

ClinVar aggregate classification (germline): Uncertain significance (1 of 4 stars; one submission).

Conditions:
Hereditary cancer-predisposing syndrome. Also called: Neoplastic Syndromes, Hereditary; Tumor predisposition; Hereditary Cancer Syndrome; Hereditary neoplastic syndrome. Identifiers: Orphanet 140162, MedGen C0027672, MeSH D009386, MONDO:0015356.

Submission:

Ambry Genetics
Classification: Uncertain significance for Hereditary cancer-predisposing syndrome. Last evaluated: 2026-05-30. Review status: criteria provided, single submitter. Criteria: Ambry Variant Classification Scheme 2023. Collection method: clinical testing. Allele origin: germline.
Comment: The p.R1318K variant (also known as c.3953G>A), located in coding exon 19 of the MET gene, results from a G to A substitution at nucleotide position 3953. The arginine at codon 1318 is replaced by lysine, an amino acid with highly similar properties. This amino acid position is conserved. In addition, the in silico prediction for this alteration is inconclusive. Based on the available evidence, the clinical significance of this variant remains unclear.